The following is an entry in ClinVar:

ClinVar aggregate classification (germline): Benign/Likely benign. Review status: criteria provided, multiple submitters, no conflicts (2 of 4 stars). 17 submissions from 16 submitters: Benign (9); Likely benign (3). 5 of the submissions do not count toward it. Last evaluated 2026-01-31.

Conditions:
GPC3-related disorder. Also called: GPC3-related condition.
Hereditary ataxia. Also called: Hereditary Ataxias. Identifiers: Orphanet 183518, MedGen C0004138, MONDO:0100309, MONDO:0000557.
Hereditary cancer-predisposing syndrome. Also called: Neoplastic Syndromes, Hereditary; Hereditary Cancer Syndrome; Tumor predisposition; Hereditary neoplastic syndrome. Identifiers: Orphanet 140162, MedGen C0027672, MeSH D009386, MONDO:0015356.
Simpson-Golabi-Behmel syndrome type 1 (SGBS1). Also called: GPC3-Related Simpson-Golabi-Behmel Syndrome Type 1; SIMPSON DYSMORPHIA SYNDROME; BULLDOG SYNDROME; DYSPLASIA GIGANTISM SYNDROME, X-LINKED; GOLABI-ROSEN SYNDROME. Identifiers: Orphanet 373, MedGen C0796154, MONDO:0020602, OMIM 312870.
Wilms tumor 1 (WT1). Also called: Wilms tumor, somatic. Identifiers: Orphanet 654, MedGen CN033288, MONDO:0008679, OMIM 194070.
Intellectual disability. Also called: intellectual disabilities; Intellectual functioning disability; Intellectual developmental disorder. Identifiers: MedGen C3714756, MeSH D008607, MONDO:0001071, HP:0001249.

Allele frequency attached by ClinVar (database versions not stated): ESP Exome Variant Server 0.00189; gnomAD exomes 0.00251 and 0.00453; gnomAD 0.00287 and 0.00303; TOPMed 0.00327; 1000 Genomes Project 30x 0.00208; 1000 Genomes Project 0.00238; ExAC 0.00244.
gnomAD v4.1: 5,237 of 1,201,309 alleles (0.44%); highest among the groups gnomAD compares: Non-Finnish European, 0.54%; 11 homozygotes.

Submissions (17):

Labcorp Genetics (formerly Invitae), Labcorp
Classification: Benign for Wilms tumor 1. Last evaluated: 2026-01-31. Review status: criteria provided, single submitter. Criteria: Invitae Variant Classification Sherloc (09022015). Collection method: clinical testing. Allele origin: germline.

Dasa
Classification: Benign. Last evaluated: 2025-11-19. Review status: criteria provided, single submitter. Criteria: DASA Assertion Criteria. Collection method: clinical testing. Allele origin: germline.
Comment: NM_004484.4(GPC3):c.1167-8T>C is interpreted as benign based on a combination of available evidence, which may include population frequency, observations in unaffected individuals, intact protein function, lack of segregation with disease, in silico models, amino acid conservation, lack of disease association in case-control studies, and/or inconsistency with the known disease mechanism or impacted region. Based on the available data, this variant is classified as benign.

Mayo Clinic Laboratories, Mayo Clinic
Classification: Likely benign. Last evaluated: 2025-08-27. Review status: criteria provided, single submitter. Criteria: ACMG Guidelines, 2015. Collection method: clinical testing. Allele origin: germline. Observed: 6 variant alleles.
Comment: BS1, BP4, BP7

KCCC/NGS Laboratory, Kuwait Cancer Control Center
Classification: Benign for Simpson-Golabi-Behmel syndrome type 1. Last evaluated: 2025-02-01. Review status: criteria provided, single submitter. Criteria: ACMG Guidelines, 2015. Collection method: clinical testing. Allele origin: germline. Affected: no.

Blueprint Genetics
Classification: Likely benign. Last evaluated: 2024-11-28. Review status: criteria provided, single submitter. Criteria: ACMG Guidelines, 2015. Collection method: clinical testing. Allele origin: germline.

Sema4
Classification: Benign for Hereditary cancer-predisposing syndrome. Last evaluated: 2021-04-23. Review status: criteria provided, single submitter. Criteria: Sema4 Curation Guidelines. Collection method: curation. Allele origin: germline.

Cambridge Genomics Laboratory, East Genomic Laboratory Hub, NHS Genomic Medicine Service
Classification: Benign for Hereditary ataxia. Last evaluated: 2019-10-17. Review status: criteria provided, single submitter. Criteria: ACGS Best Practice Guidelines for Variant Classification in Rare Disease 2020. Collection method: clinical testing. Allele origin: germline. Affected: yes. Observed: 1 variant allele.

Cambridge Genomics Laboratory, East Genomic Laboratory Hub, NHS Genomic Medicine Service
Classification: Benign for Intellectual disability. Last evaluated: 2019-09-26. Review status: criteria provided, single submitter. Criteria: ACGS Best Practice Guidelines for Variant Classification in Rare Disease 2020. Collection method: clinical testing. Allele origin: germline. Affected: yes. Observed: 1 variant allele.

Women's Health and Genetics/Laboratory Corporation of America, LabCorp
Classification: Benign. Last evaluated: 2018-09-14. Review status: criteria provided, single submitter. Criteria: LabCorp Variant Classification Summary - May 2015. Collection method: clinical testing. Allele origin: germline.
Comment: Variant summary: GPC3 c.1167-8T>C alters a non-conserved nucleotide located close to a canonical splice site and therefore could affect mRNA splicing, leading to a significantly altered protein sequence. 5/5 computational tools predict no significant impact on normal splicing. However, these predictions have yet to be confirmed by functional studies. The variant allele was found at a frequency of 0.0025 in 199497 control chromosomes in the gnomAD database, including 1 homozygote and 179 hemizygotes. The observed variant frequency is approximately 39459-folds higher than the estimated maximal expected allele frequency for a pathogenic variant in GPC3 causing Wilms Tumor, Type 1 phenotype (6.3e-08), strongly suggesting that the variant is benign. To our knowledge, no occurrence of c.1167-8T>C in individuals affected with Wilms Tumor, Type 1 and no experimental evidence demonstrating its impact on protein function have been reported. Two ClinVar submissions from clinical diagnostic laboratories (evaluation after 2014) cite the variant as benign. Based on the evidence outlined above, the variant was classified as benign.

Eurofins Ntd Llc (ga)
Classification: Likely benign. Last evaluated: 2018-03-12. Review status: criteria provided, single submitter. Criteria: EGL ClinVar v180209 classification definitions. Collection method: clinical testing. Allele origin: germline. Observed: 2 variant alleles, 2 heterozygotes.

Athena Diagnostics
Classification: Benign. Last evaluated: 2017-09-30. Review status: criteria provided, single submitter. Criteria: Athena Diagnostics Criteria. Collection method: clinical testing. Allele origin: germline.

GeneDx
Classification: Benign. Last evaluated: 2016-10-20. Review status: criteria provided, single submitter. Criteria: GeneDx Variant Classification (06012015). Collection method: clinical testing. Allele origin: germline. Affected: yes.
Comment: This variant is considered likely benign or benign based on one or more of the following criteria: it is a conservative change, it occurs at a poorly conserved position in the protein, it is predicted to be benign by multiple in silico algorithms, and/or has population frequency not consistent with disease.

PreventionGenetics, part of Exact Sciences
Classification: Benign for GPC3-related condition. Last evaluated: 2019-12-26. Review status: no assertion criteria provided. Collection method: clinical testing. Allele origin: germline. Not counted in ClinVar's aggregate classification.
Comment: This variant is classified as benign based on ACMG/AMP sequence variant interpretation guidelines (Richards et al. 2015 PMID: 25741868, with internal and published modifications).

Clinical Genetics DNA and cytogenetics Diagnostics Lab, Erasmus MC, Erasmus Medical Center
Classification: Likely benign. Review status: no assertion criteria provided. Collection method: clinical testing. Allele origin: germline. Affected: yes. Study: VKGL Data-share Consensus. Not counted in ClinVar's aggregate classification.

Genome Diagnostics Laboratory, Amsterdam University Medical Center
Classification: Benign. Review status: no assertion criteria provided. Collection method: clinical testing. Allele origin: germline. Affected: yes. Study: VKGL Data-share Consensus. Not counted in ClinVar's aggregate classification.

Genome Diagnostics Laboratory, University Medical Center Utrecht
Classification: Likely benign. Review status: no assertion criteria provided. Collection method: clinical testing. Allele origin: germline. Affected: yes. Study: VKGL Data-share Consensus. Not counted in ClinVar's aggregate classification.

Laboratory of Diagnostic Genome Analysis, Leiden University Medical Center (LUMC)
Classification: Likely benign. Review status: no assertion criteria provided. Collection method: clinical testing. Allele origin: germline. Affected: yes. Study: VKGL Data-share Consensus. Not counted in ClinVar's aggregate classification.

NM_004484.4(GPC3):c.1167-8T>C

Gene: GPC3 (glypican 3; minus strand). Cytogenetic location: Xq26.2.
Variant type: single nucleotide variant.
Coding change: c.1167-8T>C on transcript NM_004484.4 (MANE Select); 8 bases into the intron before coding-DNA position 1167, T replaced by C.
Molecular consequence: intron variant.
Genome position (GRCh38, 1-based): chrX:133,692,502, A>G on the plus strand (T>C on the coding strand, the complement: GPC3 is on the minus strand). VCF-style: chrX-133692502-A-G. GRCh37 (hg19) VCF-style: chrX-132826530-A-G.
Other names: p.?; c.1005-8T>C (NM_001164619.2); c.1119-8T>C (NM_001164618.2); c.1236-8T>C (NM_001164617.2).
Identifiers: ClinVar variation 239934 (VCV000239934.29), dbSNP rs182950534, ClinGen allele CA10520708.
Genomic context (GRCh38, chrX:133,692,502, plus strand): 5'-CAGGCAAAGCACTATAGAAGCTGATGAAAGACTTCAACTTCTGAATTAGTTCCCTAAAAG[A>G]AAAACAAAACATCTGTGCATAAGAGGCAAGTAAACTCAGTATGAGAAAAGTTTAATTTCC-3'